The following is an entry in ClinVar:

NM_030665.4(RAI1):c.1712C>T (p.Ser571Phe)

Gene: RAI1 (retinoic acid induced 1; plus strand). Cytogenetic location: 17p11.2.
Variant type: single nucleotide variant.
Coding change: c.1712C>T on transcript NM_030665.4 (MANE Select); coding-DNA position 1712, C replaced by T.
Protein change: p.Ser571Phe; replaces serine 571 with phenylalanine.
Molecular consequence: missense variant.
Genome position (GRCh38, 1-based): chr17:17,794,660, C>T. VCF-style: chr17-17794660-C-T. GRCh37 (hg19) VCF-style: chr17-17697974-C-T.
Other names: c.1712C>T (NM_030665.3); short protein forms S571F.
Identifiers: ClinVar variation 2134103 (VCV002134103.5), dbSNP rs1245645009, ClinGen allele CA398549040.

ClinVar aggregate classification (germline): Uncertain significance. Review status: criteria provided, multiple submitters, no conflicts (2 of 4 stars). 2 submissions from 2 submitters: Uncertain significance (2). Last evaluated 2026-09-22.

Conditions:
RAI1-related disorder. Also called: RAI1-related condition.

Allele frequency attached by ClinVar (database versions not stated): TOPMed below 0.00001.

Submissions (2):

PreventionGenetics, part of Exact Sciences
Classification: Uncertain significance for RAI1-related condition. Last evaluated: 2026-09-22. Review status: criteria provided, single submitter. Criteria: ACMG Guidelines, 2015. Collection method: clinical testing. Allele origin: germline.
Comment: The RAI1 c.1712C>T variant is predicted to result in the amino acid substitution p.Ser571Phe. To our knowledge, this variant has not been reported in the literature or in a large population database (gnomAD), indicating this variant is rare. At this time, the clinical significance of this variant is uncertain due to the absence of conclusive functional and genetic evidence.

Labcorp Genetics (formerly Invitae), Labcorp
Classification: Uncertain significance. Last evaluated: 2022-12-20. Review status: criteria provided, single submitter. Criteria: Invitae Variant Classification Sherloc (09022015). Collection method: clinical testing. Allele origin: germline.
Comment: This sequence change replaces serine, which is neutral and polar, with phenylalanine, which is neutral and non-polar, at codon 571 of the RAI1 protein (p.Ser571Phe). In summary, the available evidence is currently insufficient to determine the role of this variant in disease. Therefore, it has been classified as a Variant of Uncertain Significance. Advanced modeling of protein sequence and biophysical properties (such as structural, functional, and spatial information, amino acid conservation, physicochemical variation, residue mobility, and thermodynamic stability) performed at Invitae indicates that this missense variant is expected to disrupt RAI1 protein function. This variant has not been reported in the literature in individuals affected with RAI1-related conditions. This variant is not present in population databases (gnomAD no frequency).